The following is an entry in ClinVar:

NM_006005.3(WFS1):c.*69C>T

Gene: WFS1 (wolframin ER transmembrane glycoprotein; plus strand). Cytogenetic location: 4p16.1.
Variant type: single nucleotide variant.
Coding change: c.*69C>T on transcript NM_006005.3 (MANE Select); 69 bases downstream of the stop codon, C replaced by T.
Molecular consequence: 3 prime UTR variant.
Genome position (GRCh38, 1-based): chr4:6,302,537, C>T. VCF-style: chr4-6302537-C-T. GRCh37 (hg19) VCF-style: chr4-6304264-C-T.
Other names: c.*69C>T (NM_001145853.1).
Identifiers: ClinVar variation 904524 (VCV000904524.5), dbSNP rs71530916, ClinGen allele CA91798020.

ClinVar aggregate classification (germline): Benign. Review status: criteria provided, multiple submitters, no conflicts (2 of 4 stars). 4 submissions from 3 submitters: Benign (4). Last evaluated 2018-01-13.

Conditions:
Autosomal dominant nonsyndromic hearing loss 6 (LFSNHL). Also called: DEAFNESS, AUTOSOMAL DOMINANT 6; DEAFNESS, AUTOSOMAL DOMINANT 14; DEAFNESS, AUTOSOMAL DOMINANT 38; Autosomal dominant nonsyndromic deafness 6; DIDMOAD (Diabetes Insipidus, Diabetes Mellitus, Optic Atrophy, and Deafness). Identifiers: Orphanet 90635, MedGen C1833021, MONDO:0010963, OMIM 600965.
Wolfram syndrome 1 (WFS1). Identifiers: Orphanet 3463, MedGen C4551693, MONDO:0009101, OMIM 222300.
WFS1-Related Spectrum Disorders.

Allele frequency attached by ClinVar (database versions not stated): gnomAD 0.00255 and 0.00257; TOPMed 0.00283; 1000 Genomes Project 0.00419; 1000 Genomes Project 30x 0.00468.
gnomAD v4.1: 1,034 of 1,598,978 alleles (0.065%); highest among the groups gnomAD compares: African/African-American, 0.77%; 4 homozygotes.

Submissions (4):

Illumina Laboratory Services, Illumina
Classification: Benign for Autosomal dominant nonsyndromic hearing loss 6. Last evaluated: 2018-01-13. Review status: criteria provided, single submitter. Criteria: ICSL Variant Classification Criteria 13 December 2019. Collection method: clinical testing. Allele origin: germline.
Comment: This variant was observed in the ICSL laboratory as part of a predisposition screen in an ostensibly healthy population. It had not been previously curated by ICSL or reported in the Human Gene Mutation Database (HGMD: prior to June 1st, 2018), and was therefore a candidate for classification through an automated scoring system. Utilizing variant allele frequency, disease prevalence and penetrance estimates, and inheritance mode, an automated score was calculated to assess if this variant is too frequent to cause the disease. Based on the score and internal cut-off values, a variant classified as benign is not then subjected to further curation. The score for this variant resulted in a classification of benign for this disease.

Illumina Laboratory Services, Illumina
Classification: Benign for WFS1-Related Spectrum Disorders. Last evaluated: 2018-01-13. Review status: criteria provided, single submitter. Criteria: ICSL Variant Classification Criteria 13 December 2019. Collection method: clinical testing. Allele origin: germline.
Comment: the same text as in the submission from Illumina Laboratory Services, Illumina above.

Breakthrough Genomics
Classification: Benign. Review status: criteria provided, single submitter. Criteria: ACMG Guidelines, 2015. Collection method: not provided. Allele origin: germline. Inheritance: Autosomal recessive inheritance. Affected: yes.

Clinical Genomics, Uppaluri K&H Personalized Medicine Clinic
Classification: Benign for Wolfram syndrome 1. Review status: criteria provided, single submitter. Criteria: K & H Uppaluri Personalized Medicine Clinic Variant Classification & Assertion Criteria_Updated V.1. Collection method: research. Allele origin: unknown. Inheritance: Autosomal recessive inheritance.
Comment: Potent mutations in WFS1 gene are associated with Wolfram's syndrome, an autosomal recessive condition, which cause diabetes mellitus, diabetes insipidus, deafness and optic atrophy.However no sufficient evidence is found to ascertain the role of this particular variant rs71530916 in Wolfram's syndrome yet.

Literature cited by the submitters: PubMed 20738327 (cited by Clinical Genomics, Uppaluri K&H Personalized Medicine Clinic); PubMed 33879153 (cited by Clinical Genomics, Uppaluri K&H Personalized Medicine Clinic); PubMed 12955714 (cited by Clinical Genomics, Uppaluri K&H Personalized Medicine Clinic); PubMed 18060660 (cited by Clinical Genomics, Uppaluri K&H Personalized Medicine Clinic); PubMed 20301750 (cited by Clinical Genomics, Uppaluri K&H Personalized Medicine Clinic); PubMed 17603484 (cited by Clinical Genomics, Uppaluri K&H Personalized Medicine Clinic).